The following is an entry in ClinVar:

GRCh37/hg19 Xp22.31(chrX:6455152-8135644)x0

Genes: PNPLA4 (patatin like domain 4, phospholipase and triacylglycerol lipase; minus strand), PUDP (pseudouridine 5'-phosphatase; minus strand), STS (steroid sulfatase; plus strand), VCX (variable charge X-linked; plus strand). Cytogenetic location: Xp22.31.
Variant type: copy number loss.
Change: copy number 0 of chrX:6,455,152-8,135,644 (1.68 Mb, GRCh37 coordinates, 1-based), cytogenetic band Xp22.31.
Identifiers: ClinVar variation 3148902 (VCV003148902.2).

ClinVar aggregate classification (germline): no classifications from unflagged records (0 of 4 stars; one submission).

Submission:

Prenatal Diagnosis Center, Urumqi Maternal and Child Health Care Hospital
Classification: Uncertain significance. Review status: flagged submission. Criteria: ACMG/ClinGen CNV Guidelines, 2019. Collection method: clinical testing. Allele origin: unknown.
ClinVar note: Notes: This submission was flagged because its interpretation of this variant conflicts with the ClinGen Gene Dosage Map curation for the gene STS.
ClinVar note: Reason: Conflict with ClinGen Gene Dosage Map